The following is an entry in ClinVar:

ClinVar aggregate classification (germline): Conflicting classifications of pathogenicity. Review status: criteria provided, conflicting classifications (1 of 4 stars). 6 submissions from 6 submitters: Uncertain significance (5); Likely benign (1). Last evaluated 2026-02-03.

Conditions:
Cardiovascular phenotype. Identifiers: MedGen CN230736.
Ehlers-Danlos syndrome (EDS). Identifiers: Orphanet 98249, MedGen C0013720, MONDO:0020066.

Allele frequency attached by ClinVar (database versions not stated): gnomAD 0.00010; TOPMed 0.00011.

Submissions (6):

Women's Health and Genetics/Laboratory Corporation of America, LabCorp
Classification: Uncertain significance. Last evaluated: 2026-02-03. Review status: criteria provided, single submitter. Criteria: LabCorp Variant Classification Summary - May 2015. Collection method: clinical testing. Allele origin: germline.
Comment: Variant summary: TNXB c.10363G>T (p.Val3455Leu) results in a conservative amino acid change in the encoded protein sequence. Algorithms developed to predict the effect of missense changes on protein structure and function all suggest that this variant is likely to be tolerated. The variant allele was found at a frequency of 2.9e-05 in 241308 control chromosomes. The available data on variant occurrences in the general population are insufficient to allow any conclusion about variant significance. To our knowledge, no occurrence of c.10363G>T in individuals affected with TNXB-related conditions and no experimental evidence demonstrating its impact on protein function have been reported. ClinVar contains an entry for this variant (Variation ID: 423635). Based on the evidence outlined above, the variant was classified as uncertain significance.

CeGaT Center for Human Genetics Tuebingen
Classification: Uncertain significance. Last evaluated: 2025-08-01. Review status: criteria provided, single submitter. Criteria: CeGaT Center For Human Genetics Tuebingen Variant Classification Criteria Version 2. Collection method: clinical testing. Allele origin: germline. Affected: yes. Observed: 1 variant allele.
Comment: TNXB: PM2:Supporting, BP4

Ambry Genetics
Classification: Likely benign for Cardiovascular phenotype. Last evaluated: 2024-10-31. Review status: criteria provided, single submitter. Criteria: Ambry Variant Classification Scheme 2023. Collection method: clinical testing. Allele origin: germline.

Mayo Clinic Laboratories, Mayo Clinic
Classification: Uncertain significance. Last evaluated: 2024-09-16. Review status: criteria provided, single submitter. Criteria: ACMG Guidelines, 2015. Collection method: clinical testing. Allele origin: germline. Observed: 2 variant alleles.
Comment: BP4

GeneDx
Classification: Uncertain significance. Last evaluated: 2024-01-10. Review status: criteria provided, single submitter. Criteria: GeneDx Variant Classification Process June 2021. Collection method: clinical testing. Allele origin: germline. Affected: yes.
Comment: Has not been previously published as pathogenic or benign to our knowledge; Not observed at a significant frequency in large population cohorts (gnomAD); In silico analysis supports that this missense variant does not alter protein structure/function

Genome Diagnostics Laboratory, The Hospital for Sick Children
Classification: Uncertain significance for Ehlers-Danlos syndrome. Last evaluated: 2021-11-16. Review status: criteria provided, single submitter. Criteria: ACMG Guidelines, 2015. Collection method: clinical testing. Allele origin: germline.

NM_001365276.2(TNXB):c.10369G>T (p.Val3457Leu)

Gene: TNXB (tenascin XB; minus strand). Cytogenetic location: 6p21.33.
Variant type: single nucleotide variant.
Coding change: c.10369G>T on transcript NM_001365276.2 (MANE Select); coding-DNA position 10369, G replaced by T.
Protein change: p.Val3457Leu; replaces valine 3457 with leucine.
Molecular consequence: missense variant.
Genome position (GRCh38, 1-based): chr6:32,046,412, C>A on the plus strand (G>T on the coding strand, the complement: TNXB is on the minus strand). VCF-style: chr6-32046412-C-A. GRCh37 (hg19) VCF-style: chr6-32014189-C-A.
Other names: p.Val3455Leu; c.10363G>T, p.Val3455Leu (NM_019105.8); short protein forms V3455L, V3457L.
Identifiers: ClinVar variation 423635 (VCV000423635.22), dbSNP rs199623625, ClinGen allele CA3733241.